The following is an entry in ClinVar:

ClinVar aggregate classification (germline): Likely benign. Review status: criteria provided, multiple submitters, no conflicts (2 of 4 stars). 4 submissions from 4 submitters: Likely benign (2). 2 of the submissions do not count toward it. Last evaluated 2020-10-13.

Conditions:
PRPH-related disorder. Also called: PRPH-related condition.

Allele frequency attached by ClinVar (database versions not stated): 1000 Genomes Project 0.02236; gnomAD exomes 0.02242 and 0.01713; ESP Exome Variant Server 0.02045; gnomAD 0.02098 and 0.02119; TOPMed 0.02116; 1000 Genomes Project 30x 0.02217; ExAC 0.02234.

Submissions (4):

GeneDx
Classification: Likely benign. Last evaluated: 2020-10-13. Review status: criteria provided, single submitter. Criteria: GeneDx Variant Classification Process June 2021. Collection method: clinical testing. Allele origin: germline. Affected: yes.

Breakthrough Genomics
Classification: Likely benign. Review status: criteria provided, single submitter. Criteria: ACMG Guidelines, 2015. Collection method: not provided. Allele origin: germline. Inheritance: Autosomal dominant inheritance. Affected: yes.

PreventionGenetics, part of Exact Sciences
Classification: Benign for PRPH-related condition. Last evaluated: 2019-02-21. Review status: no assertion criteria provided. Collection method: clinical testing. Allele origin: germline. Not counted in ClinVar's aggregate classification.
Comment: This variant is classified as benign based on ACMG/AMP sequence variant interpretation guidelines (Richards et al. 2015 PMID: 25741868, with internal and published modifications).

Epithelial Biology;  Institute of Medical Biology, Singapore
No classification provided. Review status: no classification provided. Collection method: not provided. Allele origin: not provided. Not counted in ClinVar's aggregate classification.

NM_006262.4(PRPH):c.829G>A (p.Ala277Thr)

Genes: PRPH (peripherin; plus strand), TROAP-AS1 (TROAP and PRPH antisense RNA 1; minus strand). Cytogenetic location: 12q13.12.
Variant type: single nucleotide variant.
Coding change: c.829G>A on transcript NM_006262.4 (MANE Select); coding-DNA position 829, G replaced by A.
Protein change: p.Ala277Thr; replaces alanine 277 with threonine.
Molecular consequence: missense variant. On other transcripts: non-coding transcript variant (1).
Genome position (GRCh38, 1-based): chr12:49,297,015, G>A. VCF-style: chr12-49297015-G-A. GRCh37 (hg19) VCF-style: chr12-49690798-G-A.
Other names: short protein forms A277T.
Identifiers: ClinVar variation 66723 (VCV000066723.6), dbSNP rs62636520, ClinGen allele CA217621.